The following is an entry in ClinVar:

NM_000203.5(IDUA):c.965del (p.Val322fs)

Gene: IDUA (alpha-L-iduronidase; plus strand). Cytogenetic location: 4p16.3.
Variant type: Deletion.
Coding change: c.965del on transcript NM_000203.5 (MANE Select); coding-DNA position 965, one base deleted (T; older notation c.965delT).
Protein change: p.Val322fs; shifts the reading frame from valine 322.
Molecular consequence: frameshift variant. On other transcripts: non-coding transcript variant (1).
Genome position (GRCh38, 1-based): chr4:1,002,154, T deleted. VCF-style (leftmost placement, unchanged base first): chr4-1002153-GT-G. GRCh37 (hg19) VCF-style: chr4-995941-GT-G.
Other names: c.569del, p.Val190fs (NM_001363576.1); short protein forms V190fs, V322fs.
Identifiers: ClinVar variation 1323094 (VCV001323094.9), dbSNP rs2153022263, ClinGen allele CA2573052266.

ClinVar aggregate classification (germline): Pathogenic. Review status: criteria provided, multiple submitters, no conflicts (2 of 4 stars). 2 submissions from 2 submitters: Pathogenic (2). Last evaluated 2025-12-23.

Conditions:
Mucopolysaccharidosis type 1. Also called: Mucopolysaccharidosis Type I; IDUA deficiency; MPS I. Identifiers: Orphanet 579, MedGen C0023786, MONDO:0001586.

Submissions (2):

Labcorp Genetics (formerly Invitae), Labcorp
Classification: Pathogenic for Mucopolysaccharidosis type 1. Last evaluated: 2025-12-23. Review status: criteria provided, single submitter. Criteria: Invitae Variant Classification Sherloc (09022015). Collection method: clinical testing. Allele origin: germline.
Comment: This sequence change creates a premature translational stop signal (p.Val322Glyfs*2) in the IDUA gene. It is expected to result in an absent or disrupted protein product. Loss-of-function variants in IDUA are known to be pathogenic (PMID: 11735025, 21480867). This variant is not present in population databases (gnomAD no frequency). This premature translational stop signal has been observed in individual(s) with IDUA-related conditions (PMID: 33301762). ClinVar contains an entry for this variant (Variation ID: 1323094). For these reasons, this variant has been classified as Pathogenic.

Revvity Omics, Revvity
Classification: Pathogenic. Last evaluated: 2021-09-07. Review status: criteria provided, single submitter. Criteria: ACMG Guidelines, 2015. Collection method: clinical testing. Allele origin: germline.

Literature cited by the submitters: PubMed 11735025 (cited by Labcorp Genetics (formerly Invitae), Labcorp); PubMed 21480867 (cited by Labcorp Genetics (formerly Invitae), Labcorp); PubMed 33301762 (cited by Labcorp Genetics (formerly Invitae), Labcorp).